The following is an entry in ClinVar:

NM_020975.6(RET):c.1361T>C (p.Val454Ala)

Gene: RET (ret proto-oncogene; plus strand). Cytogenetic location: 10q11.21.
Variant type: single nucleotide variant.
Coding change: c.1361T>C on transcript NM_020975.6 (MANE Select); coding-DNA position 1361, T replaced by C.
Protein change: p.Val454Ala; replaces valine 454 with alanine.
Molecular consequence: missense variant. On other transcripts: intron variant (15).
Genome position (GRCh38, 1-based): chr10:43,111,304, T>C. VCF-style: chr10-43111304-T-C. GRCh37 (hg19) VCF-style: chr10-43606752-T-C.
Other names: c.1361T>C, p.Val454Ala (NM_000323.2, NM_001406743.1, NM_001406744.1 and 6 more transcripts); c.599T>C, p.Val200Ala (NM_001355216.2); c.1232T>C, p.Val411Ala (NM_001406761.1, NM_001406762.1, NM_001406764.1 and 1 more transcripts); c.1073T>C, p.Val358Ala (NM_001406766.1, NM_001406767.1, NM_001406770.1); c.965T>C, p.Val322Ala (NM_001406769.1, NM_001406772.1); c.923T>C, p.Val308Ala (NM_001406771.1, NM_001406773.1); c.836T>C, p.Val279Ala (NM_001406774.1); c.635T>C, p.Val212Ala (NM_001406775.1, NM_001406776.1, NM_001406777.1 and 1 more transcripts); and 5 more; short protein forms V279A, V322A, V308A, V454A, V200A, V212A, V358A, V124A.
Identifiers: ClinVar variation 2859014 (VCV002859014.4), dbSNP rs2538442181, ClinGen allele CA376549212.
Genomic context (GRCh38, chr10:43,111,304, plus strand): 5'-GTGGCATCAACGTCCAGTACAAGCTGCATTCCTCTGGTGCCAACTGCAGCACGCTAGGGG[T>C]GGTCACCTCAGCCGAGGACACCTCGGGGATCCTGTTTGTGAATGACACCAAGGCCCTGCG-3'
Protein context (NP_066124.1, residues 444-464): SSGANCSTLG[Val454Ala]VTSAEDTSGI

ClinVar aggregate classification (germline): Uncertain significance. Review status: criteria provided, multiple submitters, no conflicts (2 of 4 stars). 2 submissions from 2 submitters: Uncertain significance (2). Last evaluated 2024-04-19.

Conditions:
Multiple endocrine neoplasia, type 2 (MEN2). Identifiers: Orphanet 653, MedGen C4048306, MONDO:0019003. Disease mechanism: gain of function.
Hereditary cancer-predisposing syndrome. Also called: Neoplastic Syndromes, Hereditary; Hereditary neoplastic syndrome; Tumor predisposition; Hereditary Cancer Syndrome. Identifiers: Orphanet 140162, MedGen C0027672, MeSH D009386, MONDO:0015356.

Allele frequency attached by ClinVar (database versions not stated): gnomAD exomes below 0.00001.
gnomAD v4.1: 1 of 1,614,026 alleles (0.000062%); highest among the groups gnomAD compares: Non-Finnish European, 0.000085%; no homozygotes.

Submissions (2):

Ambry Genetics
Classification: Uncertain significance for Hereditary cancer-predisposing syndrome. Last evaluated: 2024-04-19. Review status: criteria provided, single submitter. Criteria: Ambry Variant Classification Scheme 2023. Collection method: clinical testing. Allele origin: germline.
Comment: The p.V454A variant (also known as c.1361T>C), located in coding exon 7 of the RET gene, results from a T to C substitution at nucleotide position 1361. The valine at codon 454 is replaced by alanine, an amino acid with similar properties. This amino acid position is conserved. In addition, this alteration is predicted to be tolerated by in silico analysis. Based on the available evidence, the clinical significance of this variant remains unclear.

Labcorp Genetics (formerly Invitae), Labcorp
Classification: Uncertain significance for Multiple endocrine neoplasia, type 2. Last evaluated: 2023-08-23. Review status: criteria provided, single submitter. Criteria: Invitae Variant Classification Sherloc (09022015). Collection method: clinical testing. Allele origin: germline.
Comment: This variant has not been reported in the literature in individuals affected with RET-related conditions. This variant is not present in population databases (gnomAD no frequency). This sequence change replaces valine, which is neutral and non-polar, with alanine, which is neutral and non-polar, at codon 454 of the RET protein (p.Val454Ala). An algorithm developed to predict the effect of missense changes on protein structure and function (PolyPhen-2) suggests that this variant is likely to be tolerated. In summary, the available evidence is currently insufficient to determine the role of this variant in disease. Therefore, it has been classified as a Variant of Uncertain Significance.